The following is an entry in ClinVar:

ClinVar aggregate classification (germline): Likely pathogenic (1 of 4 stars; one submission).

Submission:

Labcorp Genetics (formerly Invitae), Labcorp
Classification: Likely pathogenic. Last evaluated: 2025-10-12. Review status: criteria provided, single submitter. Criteria: Invitae Variant Classification Sherloc (09022015). Collection method: clinical testing. Allele origin: germline.
Comment: This sequence change affects a donor splice site in intron 8 of the TCIRG1 gene. It is expected to disrupt RNA splicing. Variants that disrupt the donor or acceptor splice site typically lead to a loss of protein function (PMID: 16199547), and loss-of-function variants in TCIRG1 are known to be pathogenic (PMID: 10888887, 10942435, 11532986, 19448635). This variant is not present in population databases (gnomAD no frequency). Disruption of this splice site has been observed in individual(s) with clinical features of osteopetrosis (PMID: 39011244). ClinVar contains an entry for this variant (Variation ID: 1067039). Algorithms developed to predict the effect of sequence changes on RNA splicing suggest that this variant may disrupt the consensus splice site. In summary, the currently available evidence indicates that the variant is pathogenic, but additional data are needed to prove that conclusively. Therefore, this variant has been classified as Likely Pathogenic.

Literature cited by the submitters: PubMed 16199547; PubMed 10888887; PubMed 10942435; PubMed 11532986; PubMed 19448635; PubMed 39011244.

NM_006019.4(TCIRG1):c.807+2T>C

Gene: TCIRG1 (T cell immune regulator 1, ATPase H+ transporting V0 subunit a3; plus strand). Cytogenetic location: 11q13.2.
Variant type: single nucleotide variant.
Coding change: c.807+2T>C on transcript NM_006019.4 (MANE Select); the canonical splice donor site of the intron after coding-DNA position 807, T replaced by C.
Molecular consequence: splice donor variant.
Genome position (GRCh38, 1-based): chr11:68,043,909, T>C. VCF-style: chr11-68043909-T-C. GRCh37 (hg19) VCF-style: chr11-67811376-T-C.
Other names: c.-88+2T>C (NM_001351059.2); c.159+2T>C (NM_006053.4).
Identifiers: ClinVar variation 1067039 (VCV001067039.9), dbSNP rs2134440422, ClinGen allele CA381579627.
Genomic context (GRCh38, chr11:68,043,909, plus strand): 5'-AGGAGGCCCGCCTCGGGGCCCTGCAGCAGCTGCAACAGCAGAGCCAGGAGCTGCAGGAGG[T>C]GGGTGCCCCCGGCCTTCCGGAGGCGGGTGTAGGAGGTGGGTGCCCCCGGCCTCCCGGAGG-3'